The following is an entry in ClinVar:

NM_004329.3(BMPR1A):c.1011A>G (p.Ser337=)

Gene: BMPR1A (bone morphogenetic protein receptor type 1A; plus strand). Cytogenetic location: 10q23.2.
Variant type: single nucleotide variant.
Coding change: c.1011A>G on transcript NM_004329.3 (MANE Select); coding-DNA position 1011, A replaced by G.
Protein change: p.Ser337=; no amino-acid change (serine 337 retained).
Molecular consequence: synonymous variant. On other transcripts: non-coding transcript variant (3).
Genome position (GRCh38, 1-based): chr10:86,919,314, A>G. VCF-style: chr10-86919314-A-G. GRCh37 (hg19) VCF-style: chr10-88679071-A-G.
Other names: c.1086A>G, p.Ser362= (NM_001406559.1); c.1059A>G, p.Ser353= (NM_001406560.1); c.1011A>G, p.Ser337= (NM_001406561.1, NM_001406562.1, NM_001406563.1 and 19 more transcripts); c.1005A>G, p.Ser335= (NM_001406583.1); c.927A>G, p.Ser309= (NM_001406584.1, NM_001406585.1, NM_001406586.1 and 2 more transcripts); c.669A>G, p.Ser223= (NM_001406589.1).
Identifiers: ClinVar variation 3378497 (VCV003378497.3).
Genomic context (GRCh38, chr10:86,919,314, plus strand): 5'-CTATGACTTCCTGAAATGTGCTACACTGGACACCAGAGCCCTGCTTAAATTGGCTTATTC[A>G]GCTGCCTGTGGTCTGTGCCACCTGCACACAGAAATTTATGGCACCCAAGGAAAGCCCGCA-3'
Protein context (NP_004320.2, residues 327-347): DTRALLKLAY[Ser337=]AACGLCHLHT

ClinVar aggregate classification (germline): Benign/Likely benign. Review status: criteria provided, multiple submitters, no conflicts (2 of 4 stars). 2 submissions from 2 submitters: Benign (1); Likely benign (1). Last evaluated 2024-08-06.

Conditions:
Juvenile polyposis syndrome (JPS). Identifiers: Orphanet 2929, MedGen C0345893, MONDO:0017380, OMIM 174900.

Submissions (2):

Myriad Genetics, Inc.
Classification: Benign for Juvenile polyposis syndrome. Last evaluated: 2024-08-06. Review status: criteria provided, single submitter. Criteria: Myriad Autosomal Dominant, Autosomal Recessive and X-Linked Classification Criteria (2023). Collection method: clinical testing. Allele origin: unknown.
Comment: This variant is considered benign. This variant is a silent/synonymous amino acid change and it is not expected to impact splicing.

Labcorp Genetics (formerly Invitae), Labcorp
Classification: Likely benign for Juvenile polyposis syndrome. Last evaluated: 2024-07-25. Review status: criteria provided, single submitter. Criteria: Invitae Variant Classification Sherloc (09022015). Collection method: clinical testing. Allele origin: germline.